The following is an entry in ClinVar:

ClinVar aggregate classification (germline): Uncertain significance (1 of 4 stars; one submission).

Submission:

GeneDx
Classification: Uncertain significance. Last evaluated: 2026-04-21. Review status: criteria provided, single submitter. Criteria: GeneDx Variant Classification Process June 2021. Collection method: clinical testing. Allele origin: germline.
Comment: Not observed at significant frequency in large population cohorts (gnomAD); In-frame deletion of 1 amino acid(s) in a non-repeat region; In silico analysis supports a deleterious effect on protein structure/function; Has not been previously published as pathogenic or benign to our knowledge

NM_003024.3(ITSN1):c.3908AGA[1] (p.Lys1304del)

Gene: ITSN1 (intersectin 1; plus strand). Cytogenetic location: 21q22.11.
Variant type: Microsatellite.
Coding change: c.3908AGA[1] on transcript NM_003024.3 (MANE Select); one copy of the 3-base unit AGA starting at c.3908; the reference has two copies in a row; one copy, 3 bases deleted.
Protein change: p.Lys1304del; deletes lysine 1304.
Molecular consequence: inframe deletion.
Genome position (GRCh38, 1-based): chr21:33,865,171-33,865,173, AGA deleted; deleting any 3 consecutive bases within chr21:33,865,167-33,865,173 gives the same sequence; the position shown is the placement nearest the transcript's 3' end. VCF-style (leftmost placement, unchanged base first): chr21-33865166-CAAG-C. GRCh37 (hg19) VCF-style: chr21-35237470-CAAG-C.
Other names: c.3893AGA[1], p.Lys1299del (NM_001331010.2); short protein forms K1299del, K1304del.
Identifiers: ClinVar variation 4057017 (VCV004057017.2).